The following is an entry in ClinVar:

NM_004415.4(DSP):c.8508A>G (p.Gly2836=)

Gene: DSP (desmoplakin; plus strand). Cytogenetic location: 6p24.3.
Variant type: single nucleotide variant.
Coding change: c.8508A>G on transcript NM_004415.4 (MANE Select); coding-DNA position 8508, A replaced by G.
Protein change: p.Gly2836=; no amino-acid change (glycine 2836 retained).
Molecular consequence: synonymous variant.
Genome position (GRCh38, 1-based): chr6:7,585,770, A>G. VCF-style: chr6-7585770-A-G. GRCh37 (hg19) VCF-style: chr6-7586003-A-G.
Other names: c.8508A>G (LRG_423t1); c.6711A>G, p.Gly2237= (NM_001008844.3); c.7179A>G, p.Gly2393= (NM_001319034.2).
Identifiers: ClinVar variation 510804 (VCV000510804.50), dbSNP rs754074127, ClinGen allele CA052628.

ClinVar aggregate classification (germline): Likely benign. Review status: criteria provided, multiple submitters, no conflicts (2 of 4 stars). 8 submissions from 8 submitters: Likely benign (8). Last evaluated 2025-11-22.

Conditions:
Cardiovascular phenotype. Identifiers: MedGen CN230736.
Arrhythmogenic right ventricular dysplasia 8 (ARVD8). Also called: Arrhythmogenic Right Ventricular Dysplasia/Cardiomyopathy 8; ARRHYTHMOGENIC RIGHT VENTRICULAR DYSPLASIA, FAMILIAL, 8; ARRHYTHMOGENIC RIGHT VENTRICULAR CARDIOMYOPATHY 8. Identifiers: MedGen C1843896, MONDO:0011831, OMIM 607450.
Arrhythmogenic cardiomyopathy with wooly hair and keratoderma. Also called: Carvajal syndrome; Dilated cardiomyopathy with woolly hair and keratoderma; Arrhythmogenic cardiomyopathy with woolly hair and keratoderma; PALMOPLANTAR KERATODERMA WITH LEFT VENTRICULAR CARDIOMYOPATHY AND WOOLLY HAIR. Identifiers: Orphanet 65282, MedGen C1854063, MONDO:0011581, OMIM 605676.
Lethal acantholytic epidermolysis bullosa (EBLA). Identifiers: Orphanet 158687, MedGen C1864826, MONDO:0012323, OMIM 609638.
Keratosis palmoplantaris striata 2. Also called: Keratosis palmoplantaris striata II; KERATODERMA, PALMOPLANTAR, STRIATE FORM II; STRIATE PALMOPLANTAR KERATODERMA II. Identifiers: MedGen C1852127, MONDO:0013034, OMIM 612908.
Woolly hair-skin fragility syndrome (WHSF). Identifiers: Orphanet 293165, MedGen C1843292, MONDO:0957307, OMIM 620415.
Cardiomyopathy, dilated, with wooly hair, keratoderma, and tooth agenesis. Also called: Cardiomyopathy, dilated, with woolly hair, keratoderma, and tooth agenesis; Erythrokeratodermia-cardiomyopathy syndrome. Identifiers: Orphanet 476096, Orphanet 65282, MedGen C4014393, MONDO:0014355, OMIM 615821.
Cardiomyopathy (CMYO). Also called: Cardiomyopathies. Identifiers: Orphanet 167848, MedGen C0878544, MONDO:0004994, HP:0001638. Inheritance: Various modes of inheritance.

Allele frequency attached by ClinVar (database versions not stated): gnomAD 0.00001 and 0.00002; ExAC 0.00003; gnomAD exomes 0.00003 and 0.00005.
gnomAD v4.1: 71 of 1,609,118 alleles (0.0044%); highest among the groups gnomAD compares: Non-Finnish European, 0.0059%; no homozygotes.

Submissions (8):

Labcorp Genetics (formerly Invitae), Labcorp
Classification: Likely benign for Arrhythmogenic cardiomyopathy with wooly hair and keratoderma; Arrhythmogenic right ventricular dysplasia 8. Last evaluated: 2025-11-22. Review status: criteria provided, single submitter. Criteria: Invitae Variant Classification Sherloc (09022015). Collection method: clinical testing. Allele origin: germline.

Blueprint Genetics
Classification: Likely benign. Last evaluated: 2024-07-01. Review status: criteria provided, single submitter. Criteria: ACMG Guidelines, 2015. Collection method: clinical testing. Allele origin: germline.

All of Us Research Program, National Institutes of Health
Classification: Likely benign for Arrhythmogenic cardiomyopathy with wooly hair and keratoderma. Last evaluated: 2024-02-05. Review status: criteria provided, single submitter. Criteria: ACMG Guidelines, 2015. Collection method: clinical testing. Allele origin: germline. Inheritance: Autosomal dominant inheritance. Observed: 12 variant alleles, 12 heterozygotes.
Comment: This study involves interpretation of variants in research participants for the purpose of population health screening. Participant phenotype was not available at the time of variant classification. Additional details can be found in publication PMID: 35346344, PMCID: PMC8962531

Ambry Genetics
Classification: Likely benign for Cardiovascular phenotype. Last evaluated: 2022-12-18. Review status: criteria provided, single submitter. Criteria: Ambry Variant Classification Scheme 2023. Collection method: clinical testing. Allele origin: germline.

CeGaT Center for Human Genetics Tuebingen
Classification: Likely benign. Last evaluated: 2022-02-01. Review status: criteria provided, single submitter. Criteria: CeGaT Center For Human Genetics Tuebingen Variant Classification Criteria Version 2. Collection method: clinical testing. Allele origin: germline. Affected: yes. Observed: 2 variant alleles.

Fulgent Genetics
Classification: Likely benign for Arrhythmogenic cardiomyopathy with wooly hair and keratoderma; Arrhythmogenic right ventricular dysplasia 8; Lethal acantholytic epidermolysis bullosa; Keratosis palmoplantaris striata 2; Cardiomyopathy, dilated, with wooly hair, keratoderma, and tooth agenesis. Last evaluated: 2021-07-26. Review status: criteria provided, single submitter. Criteria: ACMG Guidelines, 2015. Collection method: clinical testing. Allele origin: unknown.

GeneDx
Classification: Likely benign. Last evaluated: 2019-08-28. Review status: criteria provided, single submitter. Criteria: GeneDx Variant Classification Process June 2021. Collection method: clinical testing. Allele origin: germline. Affected: yes.

Color Diagnostics, LLC DBA Color Health
Classification: Likely benign for Cardiomyopathy. Last evaluated: 2019-04-20. Review status: criteria provided, single submitter. Criteria: ACMG Guidelines, 2015. Collection method: clinical testing. Allele origin: germline.